The following is an entry in ClinVar:

NM_000088.4(COL1A1):c.2424dup (p.Gly809fs)

Gene: COL1A1 (collagen type I alpha 1 chain; minus strand). Cytogenetic location: 17q21.33.
Variant type: Duplication.
Coding change: c.2424dup on transcript NM_000088.4 (MANE Select); coding-DNA position 2424, one base duplicated (C; older notation c.2424dupC).
Protein change: p.Gly809fs; shifts the reading frame from glycine 809.
Molecular consequence: frameshift variant.
Genome position (GRCh38, 1-based): chr17:50,190,354, G duplicated on the plus strand (C on the coding strand, the reverse complement: COL1A1 is on the minus strand); the first of 6 consecutive G bases (chr17:50,190,354-50,190,359); duplicating any one gives the same sequence. VCF-style (leftmost placement, unchanged base first): chr17-50190353-C-CG. GRCh37 (hg19) VCF-style: chr17-48267714-C-CG.
Other names: c.2424dupC (NM_000088.3); c.2424dup, p.Gly809fs (LRG_1t1); short protein forms G809fs.
Identifiers: ClinVar variation 425609 (VCV000425609.5), dbSNP rs1114167391, ClinGen allele CA645293908.

ClinVar aggregate classification (germline): Pathogenic. Review status: criteria provided, multiple submitters, no conflicts (2 of 4 stars). 3 submissions from 3 submitters: Pathogenic (2). 1 of the submissions does not count toward it. Last evaluated 2024-01-19.

Conditions:
COL1A1-related disorder. Also called: COL1A1-related condition; COL1A1- related disease.
Osteogenesis imperfecta type I (OI1). Also called: OI, TYPE I; OSTEOGENESIS IMPERFECTA TARDA; OSTEOGENESIS IMPERFECTA WITH BLUE SCLERAE; Osteogenesis imperfecta type 1; Classic Non-deforming Osteogenesis Imperfecta with Blue Sclerae; Lobstein's Disease. Identifiers: Orphanet 216796, Orphanet 666, MedGen C0023931, MONDO:0008146, OMIM 166200. Disease mechanism: loss of function.

Submissions (3):

Labcorp Genetics (formerly Invitae), Labcorp
Classification: Pathogenic for Osteogenesis imperfecta type I. Last evaluated: 2024-01-19. Review status: criteria provided, single submitter. Criteria: Invitae Variant Classification Sherloc (09022015). Collection method: clinical testing. Allele origin: germline.
Comment: This sequence change creates a premature translational stop signal (p.Gly809Argfs*12) in the COL1A1 gene. It is expected to result in an absent or disrupted protein product. Loss-of-function variants in COL1A1 are known to be pathogenic (PMID: 7942841, 9295084, 9443882). This variant is not present in population databases (gnomAD no frequency). This premature translational stop signal has been observed in individual(s) with osteogenesis imperfecta (PMID: 27510842). ClinVar contains an entry for this variant (Variation ID: 425609). For these reasons, this variant has been classified as Pathogenic.

Blueprint Genetics
Classification: Pathogenic for COL1A1-related disorders. Last evaluated: 2022-01-27. Review status: criteria provided, single submitter. Criteria: ACMG Guidelines, 2015. Collection method: clinical testing. Allele origin: germline. Affected: yes. Observed: 1 variant allele.

Department of Medical Sciences, Uppsala University
Classification: Pathogenic for OI type I. Review status: no assertion criteria provided. Collection method: clinical testing. Allele origin: paternal. Affected: yes. Observed: 1 variant allele. Not counted in ClinVar's aggregate classification.

Literature cited by the submitters: PubMed 7942841 (cited by Labcorp Genetics (formerly Invitae), Labcorp); PubMed 9295084 (cited by Labcorp Genetics (formerly Invitae), Labcorp); PubMed 9443882 (cited by Labcorp Genetics (formerly Invitae), Labcorp); PubMed 27510842 (cited by Labcorp Genetics (formerly Invitae), Labcorp); PubMed 25944380 (cited by Department of Medical Sciences, Uppsala University).